The following is an entry in ClinVar:

NM_001363711.2(DUOX2):c.936G>T (p.Glu312Asp)

Gene: DUOX2 (dual oxidase 2; minus strand). Cytogenetic location: 15q21.1.
Variant type: single nucleotide variant.
Coding change: c.936G>T on transcript NM_001363711.2 (MANE Select); coding-DNA position 936, G replaced by T.
Protein change: p.Glu312Asp; replaces glutamic acid 312 with aspartic acid.
Molecular consequence: missense variant.
Genome position (GRCh38, 1-based): chr15:45,110,657, C>A on the plus strand (G>T on the coding strand, the complement: DUOX2 is on the minus strand). VCF-style: chr15-45110657-C-A. GRCh37 (hg19) VCF-style: chr15-45402855-C-A.
Other names: c.936G>T, p.Glu312Asp (NM_014080.5); short protein forms E312D.
Identifiers: ClinVar variation 2101244 (VCV002101244.4), dbSNP rs1337550157, ClinGen allele CA392278218.

ClinVar aggregate classification (germline): Uncertain significance (1 of 4 stars; one submission).

Submission:

Labcorp Genetics (formerly Invitae), Labcorp
Classification: Uncertain significance. Last evaluated: 2022-02-21. Review status: criteria provided, single submitter. Criteria: Invitae Variant Classification Sherloc (09022015). Collection method: clinical testing. Allele origin: germline.
Comment: In summary, the available evidence is currently insufficient to determine the role of this variant in disease. Therefore, it has been classified as a Variant of Uncertain Significance. Advanced modeling of protein sequence and biophysical properties (such as structural, functional, and spatial information, amino acid conservation, physicochemical variation, residue mobility, and thermodynamic stability) performed at Invitae indicates that this missense variant is not expected to disrupt DUOX2 protein function. This variant has not been reported in the literature in individuals affected with DUOX2-related conditions. This variant is not present in population databases (gnomAD no frequency). This sequence change replaces glutamic acid, which is acidic and polar, with aspartic acid, which is acidic and polar, at codon 312 of the DUOX2 protein (p.Glu312Asp).